The following is an entry in ClinVar:

ClinVar aggregate classification (germline): Conflicting classifications of pathogenicity. Review status: criteria provided, conflicting classifications (1 of 4 stars). 4 submissions from 4 submitters: Uncertain significance (1); Benign (1); Likely benign (1). 1 of the submissions does not count toward it. Last evaluated 2026-01-05.

Conditions:
RASA1-related disorder. Also called: RASA1-related condition.
Cardiovascular phenotype. Identifiers: MedGen CN230736.
Capillary malformation-arteriovenous malformation syndrome. Also called: Capillary malformation-arteriovenous malformation. Identifiers: Orphanet 137667, MedGen C1842180, MONDO:0012016.

Submissions (4):

Labcorp Genetics (formerly Invitae), Labcorp
Classification: Uncertain significance for Capillary malformation-arteriovenous malformation syndrome. Last evaluated: 2026-01-05. Review status: criteria provided, single submitter. Criteria: Invitae Variant Classification Sherloc (09022015). Collection method: clinical testing. Allele origin: germline.
Comment: This variant, c.303_326del, results in the deletion of 8 amino acid(s) of the RASA1 protein (p.Val102_Gly109del), but otherwise preserves the integrity of the reading frame. This variant is present in population databases (rs768241743, gnomAD 0.03%). This variant has not been reported in the literature in individuals affected with RASA1-related conditions. ClinVar contains an entry for this variant (Variation ID: 966086). Experimental studies and prediction algorithms are not available or were not evaluated, and the functional significance of this variant is currently unknown. In summary, the available evidence is currently insufficient to determine the role of this variant in disease. Therefore, it has been classified as a Variant of Uncertain Significance.

Ambry Genetics
Classification: Benign for Cardiovascular phenotype. Last evaluated: 2024-11-12. Review status: criteria provided, single submitter. Criteria: Ambry Variant Classification Scheme 2023. Collection method: clinical testing. Allele origin: germline.

GeneDx
Classification: Likely benign. Last evaluated: 2020-02-14. Review status: criteria provided, single submitter. Criteria: GeneDx Variant Classification Process June 2021. Collection method: clinical testing. Allele origin: germline. Affected: yes.
Comment: In-frame deletion of 8 amino acids in a non-repeat region; In silico analysis supports that this variant does not alter protein structure/function; Has not been previously published as pathogenic or benign to our knowledge

PreventionGenetics, part of Exact Sciences
Classification: Uncertain significance for RASA1-related condition. Last evaluated: 2024-06-17. Review status: no assertion criteria provided. Collection method: clinical testing. Allele origin: germline. Not counted in ClinVar's aggregate classification.
Comment: The RASA1 c.303_326del24 variant is predicted to result in an in-frame deletion (p.Val102_Gly109del). To our knowledge, this variant has not been reported in the literature. This variant is reported in 0.033% of alleles in individuals of East Asian descent in gnomAD. Although we suspect that this variant may be benign, at this time, the clinical significance of this variant is uncertain due to the absence of conclusive functional and genetic evidence.

NM_002890.3(RASA1):c.303_326del (p.Val102_Gly109del)

Gene: RASA1 (RAS p21 protein activator 1; plus strand). Cytogenetic location: 5q14.3.
Variant type: Deletion.
Coding change: c.303_326del on transcript NM_002890.3 (MANE Select); coding-DNA positions 303 to 326, 24 bases deleted (CGTGGCCGGTGCTGCTGTTGCTGG).
Protein change: p.Val102_Gly109del.
Molecular consequence: inframe deletion.
Genome position (GRCh38, 1-based): chr5:87,268,754-87,268,777, CGTGGCCGGTGCTGCTGTTGCTGG deleted; deleting any 24 consecutive bases within chr5:87,268,748-87,268,777 gives the same sequence; the c. name uses the placement nearest the transcript's 3' end. VCF-style (leftmost placement, unchanged base first): chr5-87268747-CTGCTGGCGTGGCCGGTGCTGCTGT-C. GRCh37 (hg19) VCF-style: chr5-86564564-CTGCTGGCGTGGCCGGTGCTGCTGT-C.
Other names: c.303_326delCGTGGCCGGTGCTGCTGTTGCTGG (NM_002890.2); c.303_326del24 (NM_002890.3).
Identifiers: ClinVar variation 966086 (VCV000966086.10), dbSNP rs768241743, ClinGen allele CA3335390.